The following is an entry in ClinVar:

ClinVar aggregate classification (germline): Uncertain significance (1 of 4 stars; one submission).

Submission:

Labcorp Genetics (formerly Invitae), Labcorp
Classification: Uncertain significance. Last evaluated: 2022-09-06. Review status: criteria provided, single submitter. Criteria: Invitae Variant Classification Sherloc (09022015). Collection method: clinical testing. Allele origin: germline.
Comment: In summary, the available evidence is currently insufficient to determine the role of this variant in disease. Therefore, it has been classified as a Variant of Uncertain Significance. Experimental studies and prediction algorithms are not available or were not evaluated, and the functional significance of this variant is currently unknown. This variant has not been reported in the literature in individuals affected with SIRT1-related conditions. This variant is present in population databases (no rsID available, gnomAD 0.007%). This sequence change results in a frameshift in the SIRT1 gene (p.Lys746Hisfs*16). While this is not anticipated to result in nonsense mediated decay, it is expected to disrupt the last 2 amino acid(s) of the SIRT1 protein and extend the protein by 13 additional amino acid residues.

NM_012238.5(SIRT1):c.2235_2238del (p.Lys746fs)

Gene: SIRT1 (sirtuin 1; plus strand). Cytogenetic location: 10q21.3.
Variant type: Microsatellite.
Coding change: c.2235_2238del on transcript NM_012238.5 (MANE Select); coding-DNA positions 2235 to 2238, 4 bases deleted (CAAA; older notation c.2235_2238delCAAA).
Protein change: p.Lys746fs; shifts the reading frame from lysine 746.
Molecular consequence: frameshift variant.
Genome position (GRCh38, 1-based): chr10:67,916,584-67,916,587, CAAA deleted; deleting any 4 consecutive bases within chr10:67,916,580-67,916,587 gives the same sequence; the c. name uses the placement nearest the transcript's 3' end. VCF-style (leftmost placement, unchanged base first): chr10-67916579-TCAAA-T. GRCh37 (hg19) VCF-style: chr10-69676336-TCAAA-T.
Other names: c.1350_1353del, p.Lys451fs (NM_001142498.2); c.1322_1325CAAA[1], p.Lys443Hisfs (NM_001314049.2); short protein forms K443fs, K746fs, K451fs.
Identifiers: ClinVar variation 1360128 (VCV001360128.6), dbSNP rs1432077432, ClinGen allele CA593899264.
Genomic context (GRCh38, chr10:67,916,579, plus strand): 5'-CAAGAGGCAATTAATGAAGCTATATCTGTGAAACAGGAAGTAACAGACATGAACTATCCA[TCAAA>T]CAAATCATAGTGTAATAATTGTGCAGGTACAGGAATTGTTCCACCAGCATTAGGAACTTT-3'